The following is an entry in ClinVar:

NM_000143.4(FH):c.1447A>C (p.Lys483Gln)

Gene: FH (fumarate hydratase; minus strand). Cytogenetic location: 1q43.
Variant type: single nucleotide variant.
Coding change: c.1447A>C on transcript NM_000143.4 (MANE Select); coding-DNA position 1447, A replaced by C.
Protein change: p.Lys483Gln; replaces lysine 483 with glutamine.
Molecular consequence: missense variant.
Genome position (GRCh38, 1-based): chr1:241,497,914, T>G on the plus strand (A>C on the coding strand, the complement: FH is on the minus strand). VCF-style: chr1-241497914-T-G. GRCh37 (hg19) VCF-style: chr1-241661214-T-G.
Other names: short protein forms K483Q.
Identifiers: ClinVar variation 529814 (VCV000529814.21), dbSNP rs1017406473, ClinGen allele CA40371654.

ClinVar aggregate classification (germline): Uncertain significance. Review status: criteria provided, multiple submitters, no conflicts (2 of 4 stars). 6 submissions from 6 submitters: Uncertain significance (5). 1 of the submissions does not count toward it. Last evaluated 2026-05-19.

Conditions:
Hereditary cancer-predisposing syndrome. Also called: Hereditary neoplastic syndrome; Neoplastic Syndromes, Hereditary; Hereditary Cancer Syndrome; Tumor predisposition. Identifiers: Orphanet 140162, MedGen C0027672, MeSH D009386, MONDO:0015356.
Fumarase deficiency (FMRD). Also called: Fumaric aciduria; Fumarate Hydratase Deficiency. Identifiers: Orphanet 24, MedGen C0342770, MONDO:0011730, OMIM 606812.
Hereditary leiomyomatosis and renal cell cancer. Also called: MULTIPLE CUTANEOUS AND UTERINE LEIOMYOMATA 1, WITH OR WITHOUT RENAL CELL CARCINOMA; LEIOMYOMA, MULTIPLE CUTANEOUS; Familial leiomyomatosis; Multiple cutaneous leiomyomas; FH tumor predisposition syndrome; Reed syndrome. Identifiers: Orphanet 523, MedGen C1708350, MONDO:0007888, OMIM 150800, HP:0007437. Disease mechanism: loss of function.

Allele frequency attached by ClinVar (database versions not stated): gnomAD exomes below 0.00001 and 0.00001; gnomAD 0.00001.
gnomAD v4.1: 9 of 1,613,814 alleles (0.00056%); highest among the groups gnomAD compares: Middle Eastern, 0.017%; no homozygotes.

Submissions (7):

Ambry Genetics
Classification: Uncertain significance for Hereditary cancer-predisposing syndrome. Last evaluated: 2026-05-19. Review status: criteria provided, single submitter. Criteria: Ambry Variant Classification Scheme 2023. Collection method: clinical testing. Allele origin: germline.
Comment: The p.K483Q variant (also known as c.1447A>C), located in coding exon 10 of the FH gene, results from an A to C substitution at nucleotide position 1447. The lysine at codon 483 is replaced by glutamine, an amino acid with similar properties. This amino acid position is well conserved in available vertebrate species. In addition, this alteration is predicted to be deleterious by in silico analysis. Based on the available evidence, the clinical significance of this variant remains unclear.

Quest Diagnostics Nichols Institute San Juan Capistrano
Classification: Uncertain significance. Last evaluated: 2025-10-17. Review status: criteria provided, single submitter. Criteria: Quest Diagnostics criteria. Collection method: clinical testing. Allele origin: unknown.
Comment: The FH c.1447A>C (p.Lys483Gln) variant has not been reported in individuals with FH-related conditions in the published literature. The frequency of this variant in the general population (Genome Aggregation Database) is uninformative in the assessment of its pathogenicity. Analysis of this variant using bioinformatics tools for the prediction of the effect of amino acid changes on protein structure and function yielded predictions that this variant is damaging. Based on the available information, we are unable to determine the clinical significance of this variant.

Labcorp Genetics (formerly Invitae), Labcorp
Classification: Uncertain significance. Last evaluated: 2025-02-04. Review status: criteria provided, single submitter. Criteria: Invitae Variant Classification Sherloc (09022015). Collection method: clinical testing. Allele origin: germline.
Comment: This sequence change replaces lysine, which is basic and polar, with glutamine, which is neutral and polar, at codon 483 of the FH protein (p.Lys483Gln). This variant is not present in population databases (gnomAD no frequency). This variant has not been reported in the literature in individuals affected with FH-related conditions. ClinVar contains an entry for this variant (Variation ID: 529814). Invitae Evidence Modeling of protein sequence and biophysical properties (such as structural, functional, and spatial information, amino acid conservation, physicochemical variation, residue mobility, and thermodynamic stability) indicates that this missense variant is expected to disrupt FH protein function with a positive predictive value of 95%. In summary, the available evidence is currently insufficient to determine the role of this variant in disease. Therefore, it has been classified as a Variant of Uncertain Significance.

GeneDx
Classification: Uncertain significance. Last evaluated: 2024-09-01. Review status: criteria provided, single submitter. Criteria: GeneDx Variant Classification Process June 2021. Collection method: clinical testing. Allele origin: germline. Affected: yes.
Comment: Not observed at significant frequency in large population cohorts (gnomAD); In silico analysis supports that this missense variant has a deleterious effect on protein structure/function; Has not been previously published as pathogenic or benign to our knowledge

St. Jude Molecular Pathology, St. Jude Children's Research Hospital
Classification: Uncertain significance for Hereditary leiomyomatosis and renal cell cancer. Last evaluated: 2023-08-17. Review status: criteria provided, single submitter. Criteria: St. Jude Assertion Criteria 2020. Collection method: clinical testing. Allele origin: germline.
Comment: The FH c.1447A>C (p.Lys483Gln) missense change has a maximum subpopulation frequency of 0.00089% in gnomAD v2.1.1. The in silico tool REVEL predicts a deleterious effect on protein function, but to our knowledge this prediction has not been confirmed by functional studies. To our knowledge, this variant has not been reported in individuals with hereditary leiomyomatosis and renal cell cancer (HLRCC) or fumarase deficiency. In summary, the evidence currently available is insufficient to determine the clinical significance of this variant. It has therefore been classified as of uncertain significance.

Natera, Inc.
Classification: Uncertain significance for Fumarase Deficiency. Last evaluated: 2021-03-02. Review status: no assertion criteria provided. Collection method: clinical testing. Allele origin: germline. Not counted in ClinVar's aggregate classification.

Blake Wilde Laboratory, Roswell Park Comprehensive Cancer Center
No classification provided (evidence only). Condition: Hereditary leiomyomatosis and renal cell cancer. Review status: no classification provided. Collection method: in vitro. Allele origin: not applicable. Functional consequence: functionally normal. Not counted in ClinVar's aggregate classification.